The following is an entry in ClinVar:

ClinVar aggregate classification (germline): Uncertain significance. Review status: criteria provided, multiple submitters, no conflicts (2 of 4 stars). 2 submissions from 2 submitters: Uncertain significance (2). Last evaluated 2025-08-20.

Conditions:
Inborn genetic diseases. Identifiers: MedGen C0950123, MeSH D030342.

gnomAD v4.1: 16 of 1,613,744 alleles (0.00099%); highest among the groups gnomAD compares: South Asian, 0.0044%; no homozygotes.

Submissions (2):

Ambry Genetics
Classification: Uncertain significance for Inborn genetic diseases. Last evaluated: 2025-08-20. Review status: criteria provided, single submitter. Criteria: Ambry Variant Classification Scheme 2023. Collection method: clinical testing. Allele origin: germline.

Labcorp Genetics (formerly Invitae), Labcorp
Classification: Uncertain significance. Last evaluated: 2025-03-17. Review status: criteria provided, single submitter. Criteria: Invitae Variant Classification Sherloc (09022015). Collection method: clinical testing. Allele origin: germline.
Comment: This sequence change replaces arginine, which is basic and polar, with cysteine, which is neutral and slightly polar, at codon 1659 of the MYO7A protein (p.Arg1659Cys). This variant is present in population databases (rs375061307, gnomAD 0.006%). This variant has not been reported in the literature in individuals affected with MYO7A-related conditions. Invitae Evidence Modeling of protein sequence and biophysical properties (such as structural, functional, and spatial information, amino acid conservation, physicochemical variation, residue mobility, and thermodynamic stability) indicates that this missense variant is not expected to disrupt MYO7A protein function with a negative predictive value of 95%. In summary, the available evidence is currently insufficient to determine the role of this variant in disease. Therefore, it has been classified as a Variant of Uncertain Significance.

NM_000260.4(MYO7A):c.4975C>T (p.Arg1659Cys)

Gene: MYO7A (myosin VIIA; plus strand). Cytogenetic location: 11q13.5.
Variant type: single nucleotide variant.
Coding change: c.4975C>T on transcript NM_000260.4 (MANE Select); coding-DNA position 4975, C replaced by T.
Protein change: p.Arg1659Cys; replaces arginine 1659 with cysteine.
Molecular consequence: missense variant.
Genome position (GRCh38, 1-based): chr11:77,201,570, C>T. VCF-style: chr11-77201570-C-T. GRCh37 (hg19) VCF-style: chr11-76912615-C-T.
Other names: c.4861C>T, p.Arg1621Cys (NM_001127180.2); c.4828C>T, p.Arg1610Cys (NM_001369365.1); short protein forms R1659C, R1610C, R1621C.
Identifiers: ClinVar variation 4115718 (VCV004115718.2).